The following is an entry in ClinVar:

ClinVar aggregate classification (germline): Uncertain significance (1 of 4 stars; one submission).

Submission:

Labcorp Genetics (formerly Invitae), Labcorp
Classification: Uncertain significance. Last evaluated: 2025-05-28. Review status: criteria provided, single submitter. Criteria: Invitae Variant Classification Sherloc (09022015). Collection method: clinical testing. Allele origin: germline.
Comment: This sequence change replaces leucine, which is neutral and non-polar, with phenylalanine, which is neutral and non-polar, at codon 145 of the COQ8A protein (p.Leu145Phe). This variant is not present in population databases (gnomAD no frequency). This variant has not been reported in the literature in individuals affected with COQ8A-related conditions. Invitae Evidence Modeling of protein sequence and biophysical properties (such as structural, functional, and spatial information, amino acid conservation, physicochemical variation, residue mobility, and thermodynamic stability) indicates that this missense variant is not expected to disrupt COQ8A protein function with a negative predictive value of 95%. In summary, the available evidence is currently insufficient to determine the role of this variant in disease. Therefore, it has been classified as a Variant of Uncertain Significance.

NM_020247.5(COQ8A):c.433C>T (p.Leu145Phe)

Gene: COQ8A (coenzyme Q8A; plus strand). Cytogenetic location: 1q42.13.
Variant type: single nucleotide variant.
Coding change: c.433C>T on transcript NM_020247.5 (MANE Select); coding-DNA position 433, C replaced by T.
Protein change: p.Leu145Phe; replaces leucine 145 with phenylalanine.
Molecular consequence: missense variant.
Genome position (GRCh38, 1-based): chr1:226,965,255, C>T. VCF-style: chr1-226965255-C-T. GRCh37 (hg19) VCF-style: chr1-227152956-C-T.
Other names: short protein forms L145F.
Identifiers: ClinVar variation 4800045 (VCV004800045.1).